The following is an entry in ClinVar:

ClinVar aggregate classification (germline): Benign/Likely benign. Review status: criteria provided, multiple submitters, no conflicts (2 of 4 stars). 2 submissions from 2 submitters: Benign (1); Likely benign (1). Last evaluated 2023-02-01.

Allele frequency attached by ClinVar (database versions not stated): 1000 Genomes Project 30x 0.00265; 1000 Genomes Project 0.00300; TOPMed 0.00529; gnomAD 0.00604 and 0.00623; ExAC 0.00628; gnomAD exomes 0.00634 and 0.00830; ESP Exome Variant Server 0.00654.
gnomAD v4.1: 13,016 of 1,614,152 alleles (0.81%); highest among the groups gnomAD compares: Non-Finnish European, 0.95%; 60 homozygotes.

Submissions (2):

CeGaT Center for Human Genetics Tuebingen
Classification: Likely benign. Last evaluated: 2023-02-01. Review status: criteria provided, single submitter. Criteria: CeGaT Center For Human Genetics Tuebingen Variant Classification Criteria Version 2. Collection method: clinical testing. Allele origin: germline. Affected: yes. Observed: 1 variant allele.
Comment: CYP4F3: BP4, BS2

Labcorp Genetics (formerly Invitae), Labcorp
Classification: Benign. Last evaluated: 2018-07-02. Review status: criteria provided, single submitter. Criteria: Invitae Variant Classification Sherloc (09022015). Collection method: clinical testing. Allele origin: germline.

NM_000896.3(CYP4F3):c.808G>A (p.Val270Ile)

Gene: CYP4F3 (cytochrome P450 family 4 subfamily F member 3; plus strand). Cytogenetic location: 19p13.12.
Variant type: single nucleotide variant.
Coding change: c.808G>A on transcript NM_000896.3 (MANE Select); coding-DNA position 808, G replaced by A.
Protein change: p.Val270Ile; replaces valine 270 with isoleucine.
Molecular consequence: missense variant.
Genome position (GRCh38, 1-based): chr19:15,650,073, G>A. VCF-style: chr19-15650073-G-A. GRCh37 (hg19) VCF-style: chr19-15760883-G-A.
Other names: c.808G>A, p.Val270Ile (NM_001199208.2, NM_001199209.2, NM_001369696.1); short protein forms V270I.
Identifiers: ClinVar variation 777722 (VCV000777722.27), dbSNP rs28371536, ClinGen allele CA9271015.
Genomic context (GRCh38, chr19:15,650,073, plus strand): 5'-ACCCCTGATGGGCAGCGTTTCCGCAGGGCCTGCCGCCTGGTGCACGACTTCACAGATGCC[G>A]TCATCCAGGAGCGGCGCCGCACCCTCCCTAGCCAGGGTGTTGATGACTTCCTCCAAGCCA-3'
Protein context (NP_000887.2, residues 260-280): CRLVHDFTDA[Val270Ile]IQERRRTLPS